The following is an entry in ClinVar:

ClinVar aggregate classification (germline): Uncertain significance. Review status: criteria provided, multiple submitters, no conflicts (2 of 4 stars). 3 submissions from 3 submitters: Uncertain significance (2). 1 of the submissions does not count toward it. Last evaluated 2025-08-27.

Conditions:
BBS2-related disorder. Also called: BBS2-related disorders; BBS2-related condition. Identifiers: MedGen CN239228.
Inborn genetic diseases. Identifiers: MedGen C0950123, MeSH D030342.
Bardet-Biedl syndrome (BBS). Identifiers: Orphanet 110, MedGen C0752166, MONDO:0015229.

Allele frequency attached by ClinVar (database versions not stated): ExAC 0.00002; gnomAD exomes 0.00002; TOPMed 0.00002; gnomAD 0.00003; ESP Exome Variant Server 0.00008.

Submissions (3):

Ambry Genetics
Classification: Uncertain significance for Inborn genetic diseases. Last evaluated: 2025-08-27. Review status: criteria provided, single submitter. Criteria: Ambry Variant Classification Scheme 2023. Collection method: clinical testing. Allele origin: germline.

Labcorp Genetics (formerly Invitae), Labcorp
Classification: Uncertain significance for Bardet-Biedl syndrome. Last evaluated: 2024-08-09. Review status: criteria provided, single submitter. Criteria: Invitae Variant Classification Sherloc (09022015). Collection method: clinical testing. Allele origin: germline.
Comment: This sequence change replaces arginine, which is basic and polar, with glutamine, which is neutral and polar, at codon 374 of the BBS2 protein (p.Arg374Gln). This variant is present in population databases (rs371765731, gnomAD 0.01%). This variant has not been reported in the literature in individuals affected with BBS2-related conditions. ClinVar contains an entry for this variant (Variation ID: 2416912). Advanced modeling of protein sequence and biophysical properties (such as structural, functional, and spatial information, amino acid conservation, physicochemical variation, residue mobility, and thermodynamic stability) performed at Invitae indicates that this missense variant is not expected to disrupt BBS2 protein function with a negative predictive value of 80%. Algorithms developed to predict the effect of sequence changes on RNA splicing suggest that this variant may disrupt the consensus splice site. In summary, the available evidence is currently insufficient to determine the role of this variant in disease. Therefore, it has been classified as a Variant of Uncertain Significance.

PreventionGenetics, part of Exact Sciences
Classification: Uncertain significance for BBS2-related condition. Last evaluated: 2024-08-26. Review status: no assertion criteria provided. Collection method: clinical testing. Allele origin: germline. Not counted in ClinVar's aggregate classification.
Comment: The BBS2 c.1121G>A variant is predicted to result in the amino acid substitution p.Arg374Gln. To our knowledge, this variant has not been reported in the literature. This variant is reported in 0.011% of alleles in individuals of East Asian descent in gnomAD. At this time, the clinical significance of this variant is uncertain due to the absence of conclusive functional and genetic evidence.

NM_031885.5(BBS2):c.1121G>A (p.Arg374Gln)

Gene: BBS2 (Bardet-Biedl syndrome 2; minus strand). Cytogenetic location: 16q13.
Variant type: single nucleotide variant.
Coding change: c.1121G>A on transcript NM_031885.5 (MANE Select); coding-DNA position 1121, G replaced by A.
Protein change: p.Arg374Gln; replaces arginine 374 with glutamine.
Molecular consequence: missense variant. On other transcripts: non-coding transcript variant (5).
Genome position (GRCh38, 1-based): chr16:56,501,457, C>T on the plus strand (G>A on the coding strand, the complement: BBS2 is on the minus strand). VCF-style: chr16-56501457-C-T. GRCh37 (hg19) VCF-style: chr16-56535369-C-T.
Other names: c.1121G>A (NM_031885.3); c.1121G>A, p.Arg374Gln (NM_001377456.1); short protein forms R374Q.
Identifiers: ClinVar variation 2416912 (VCV002416912.7), dbSNP rs371765731, ClinGen allele CA8065826.